The following is an entry in ClinVar:

ClinVar aggregate classification (germline): Uncertain significance. Review status: criteria provided, multiple submitters, no conflicts (2 of 4 stars). 3 submissions from 3 submitters: Uncertain significance (3). Last evaluated 2024-10-27.

Conditions:
Cardiovascular phenotype. Identifiers: MedGen CN230736.

Allele frequency attached by ClinVar (database versions not stated): TOPMed below 0.00001; gnomAD exomes 0.00001.
gnomAD v4.1: 22 of 1,614,116 alleles (0.0014%); highest among the groups gnomAD compares: Admixed American, 0.0017%; no homozygotes.

Submissions (3):

Labcorp Genetics (formerly Invitae), Labcorp
Classification: Uncertain significance. Last evaluated: 2024-10-27. Review status: criteria provided, single submitter. Criteria: Invitae Variant Classification Sherloc (09022015). Collection method: clinical testing. Allele origin: germline.
Comment: This sequence change replaces arginine, which is basic and polar, with histidine, which is basic and polar, at codon 836 of the ALPK3 protein (p.Arg836His). This variant is present in population databases (no rsID available, gnomAD no frequency). This variant has not been reported in the literature in individuals affected with ALPK3-related conditions. ClinVar contains an entry for this variant (Variation ID: 430041). Invitae Evidence Modeling of protein sequence and biophysical properties (such as structural, functional, and spatial information, amino acid conservation, physicochemical variation, residue mobility, and thermodynamic stability) indicates that this missense variant is not expected to disrupt ALPK3 protein function with a negative predictive value of 80%. In summary, the available evidence is currently insufficient to determine the role of this variant in disease. Therefore, it has been classified as a Variant of Uncertain Significance.

Ambry Genetics
Classification: Uncertain significance for Cardiovascular phenotype. Last evaluated: 2024-08-28. Review status: criteria provided, single submitter. Criteria: Ambry Variant Classification Scheme 2023. Collection method: clinical testing. Allele origin: germline.
Comment: The p.R836H variant (also known as c.2507G>A), located in coding exon 6 of the ALPK3 gene, results from a G to A substitution at nucleotide position 2507. The arginine at codon 836 is replaced by histidine, an amino acid with highly similar properties. This amino acid position is poorly conserved in available vertebrate species. In addition, this alteration is predicted to be tolerated by in silico analysis. Since supporting evidence is limited at this time, the clinical significance of this alteration remains unclear.

GeneDx
Classification: Uncertain significance. Last evaluated: 2017-05-12. Review status: criteria provided, single submitter. Criteria: GeneDx Variant Classification (06012015). Collection method: clinical testing. Allele origin: germline. Affected: yes.
Comment: The R836H variant of uncertain significance in the ALPK3 gene has not been published as pathogenic or been reported as benign to our knowledge. This variant is not observed in large population cohorts (Lek et al., 2016; 1000 Genomes Consortium et al., 2015; Exome Variant Server). The R836H variant is a conservative amino acid substitution, which is not likely to impact secondary protein structure as these residues share similar properties. Moreover, this substitution occurs at a position that is not conserved across species. Nevertheless, in silico analysis is inconsistent in its predictions as to whether or not the variant is damaging to the protein structure/function.Therefore, based on the currently available information, it is unclear whether this variant is pathogenic or rare benign.

NM_020778.5(ALPK3):c.1901G>A (p.Arg634His)

Gene: ALPK3 (alpha kinase 3; plus strand). Cytogenetic location: 15q25.3.
Variant type: single nucleotide variant.
Coding change: c.1901G>A on transcript NM_020778.5 (MANE Select); coding-DNA position 1901, G replaced by A.
Protein change: p.Arg634His; replaces arginine 634 with histidine.
Molecular consequence: missense variant.
Genome position (GRCh38, 1-based): chr15:84,856,639, G>A. VCF-style: chr15-84856639-G-A. GRCh37 (hg19) VCF-style: chr15-85399870-G-A.
Other names: short protein forms R836H, R634H.
Identifiers: ClinVar variation 430041 (VCV000430041.8), dbSNP rs34906636, ClinGen allele CA393355181.